The following is an entry in ClinVar:

ClinVar aggregate classification (germline): Uncertain significance. Review status: criteria provided, multiple submitters, no conflicts (2 of 4 stars). 2 submissions from 2 submitters: Uncertain significance (2). Last evaluated 2023-07-08.

Conditions:
Hereditary cancer-predisposing syndrome. Also called: Tumor predisposition; Hereditary neoplastic syndrome; Neoplastic Syndromes, Hereditary; Hereditary Cancer Syndrome. Identifiers: Orphanet 140162, MedGen C0027672, MeSH D009386, MONDO:0015356.
Microcephaly, normal intelligence and immunodeficiency (NBS). Also called: BERLIN BREAKAGE SYNDROME; Immunodeficiency, microcephaly with normal intelligence; Ataxia telangiectasia variant V1; SEEMANOVA SYNDROME II; Nijmegen breakage syndrome; Microcephaly with normal intelligence immunodeficiency and lymphoreticular malignancies. Identifiers: Orphanet 647, MedGen C0398791, MONDO:0009623, OMIM 251260.

Submissions (2):

Labcorp Genetics (formerly Invitae), Labcorp
Classification: Uncertain significance for Microcephaly, normal intelligence and immunodeficiency. Last evaluated: 2023-07-08. Review status: criteria provided, single submitter. Criteria: Invitae Variant Classification Sherloc (09022015). Collection method: clinical testing. Allele origin: germline.
Comment: In summary, the available evidence is currently insufficient to determine the role of this variant in disease. Therefore, it has been classified as a Variant of Uncertain Significance. Studies have shown that this variant is associated with altered splicing resulting in unknown protein product impact (Invitae). Experimental studies and prediction algorithms are not available or were not evaluated, and the functional significance of this variant is currently unknown. ClinVar contains an entry for this variant (Variation ID: 1381997). This variant has not been reported in the literature in individuals affected with NBN-related conditions. This variant is not present in population databases (gnomAD no frequency). This variant, c.351_359del, results in the deletion of 3 amino acid(s) of the NBN protein (p.Ser118_Leu120del), but otherwise preserves the integrity of the reading frame.

Ambry Genetics
Classification: Uncertain significance for Hereditary cancer-predisposing syndrome. Last evaluated: 2020-02-18. Review status: criteria provided, single submitter. Criteria: Ambry Variant Classification Scheme 2023. Collection method: clinical testing. Allele origin: germline.
Comment: The c.351_359delTTCTTGTTT variant (also known as p.S118_L120del) is located in coding exon 4 of the NBN gene. This variant results from an in-frame deletion of nine nucleotides at positions 351 to 359, causing the removal of three highly-conserved amino acids at codons 118 to 120. This alteration is predicted to be deleterious by in silico analysis (Choi Y et al. PLoS ONE. 2012; 7(10):e46688). Since supporting evidence is limited at this time, the clinical significance of this alteration remains unclear.

NM_002485.5(NBN):c.351_359del (p.Ser118_Leu120del)

Gene: NBN (nibrin; minus strand). Cytogenetic location: 8q21.3.
Variant type: Deletion.
Coding change: c.351_359del on transcript NM_002485.5 (MANE Select); coding-DNA positions 351 to 359, 9 bases deleted (TTCTTGTTT; older notation c.351_359delTTCTTGTTT).
Protein change: p.Ser118_Leu120del.
Molecular consequence: inframe deletion.
Genome position (GRCh38, 1-based): chr8:89,980,855-89,980,863, AAACAAGAA deleted on the plus strand (TTCTTGTTT on the coding strand, the reverse complement: NBN is on the minus strand). VCF-style (leftmost placement, unchanged base first): chr8-89980854-TAAACAAGAA-T. GRCh37 (hg19) VCF-style: chr8-90993082-TAAACAAGAA-T.
Other names: c.105_113del, p.Ser36_Leu38del (NM_001024688.3).
Identifiers: ClinVar variation 1381997 (VCV001381997.8), dbSNP rs2129910321, ClinGen allele CA2573143450.